The following is an entry in ClinVar:

ClinVar aggregate classification (germline): Uncertain significance (1 of 4 stars; one submission).

Conditions:
GNPTG-mucolipidosis. Also called: ML III GAMMA; ML IIIC; MUCOLIPIDOSIS III, COMPLEMENTATION GROUP C; MUCOLIPIDOSIS III, IRANIAN VARIANT FORM; MUCOLIPIDOSIS III, VARIANT FORM; Mucolipidosis type III gamma. Identifiers: Orphanet 423470, Orphanet 577, MedGen C1854896, MONDO:0009652, OMIM 252605.

Submission:

Myriad Genetics, Inc.
Classification: Uncertain significance for GNPTG-mucolipidosis. Last evaluated: 2026-05-28. Review status: criteria provided, single submitter. Criteria: Myriad Autosomal Dominant, Autosomal Recessive and X-Linked Classification Criteria (2023). Collection method: clinical testing. Allele origin: unknown.
Comment: NM_032520.4(GNPTG):c.853_874dup22(P292Rfs*14) is a frameshift variant classified as a variant of uncertain significance in the context of mucolipidosis III gamma. P292Rfs*14 has not been observed in cases with relevant disease. Relevant functional assessments of this variant are not available in the literature. P292Rfs*14 has not been observed in referenced population frequency databases. In summary, there is insufficient evidence to classify NM_032520.4(GNPTG):c.853_874dup22(P292Rfs*14) as pathogenic or benign. Please note: this variant was assessed in the context of healthy population screening.

NM_032520.5(GNPTG):c.853_874dup (p.Pro292fs)

Gene: GNPTG (N-acetylglucosamine-1-phosphate transferase subunit gamma; plus strand). Cytogenetic location: 16p13.3.
Variant type: Duplication.
Coding change: c.853_874dup on transcript NM_032520.5 (MANE Select); coding-DNA positions 853 to 874, 22 bases duplicated (GAGACGCCCAGAGCCAAGTCTC).
Protein change: p.Pro292fs; shifts the reading frame from proline 292.
Molecular consequence: frameshift variant.
Genome position (GRCh38, 1-based): chr16:1,363,026-1,363,047, GAGACGCCCAGAGCCAAGTCTC duplicated; duplicating any 22 consecutive bases within chr16:1,363,025-1,363,047 gives the same sequence; the c. name uses the placement nearest the transcript's 3' end. VCF-style (leftmost placement, unchanged base first): chr16-1363024-A-ACGAGACGCCCAGAGCCAAGTCT. GRCh37 (hg19) VCF-style: chr16-1413025-A-ACGAGACGCCCAGAGCCAAGTCT.
Other names: short protein forms P292fs.
Identifiers: ClinVar variation 5004700 (VCV005004700.1).